The following is an entry in ClinVar:

ClinVar aggregate classification (germline): Pathogenic. Review status: criteria provided, multiple submitters, no conflicts (2 of 4 stars). 2 submissions from 2 submitters: Pathogenic (2). Last evaluated 2024-01-30.

Conditions:
Hereditary cancer-predisposing syndrome. Also called: Hereditary neoplastic syndrome; Neoplastic Syndromes, Hereditary; Tumor predisposition; Hereditary Cancer Syndrome. Identifiers: Orphanet 140162, MedGen C0027672, MeSH D009386, MONDO:0015356.
Familial cancer of breast. Also called: Hereditary breast cancer; hereditary breast carcinoma; BREAST CANCER, FAMILIAL. Identifiers: Orphanet 227535, MedGen C0346153, MONDO:0016419, OMIM 114480. Disease mechanism: loss of function.

Submissions (2):

Myriad Genetics, Inc.
Classification: Pathogenic for Familial cancer of breast. Last evaluated: 2024-01-30. Review status: criteria provided, single submitter. Criteria: Myriad Autosomal Dominant, Autosomal Recessive and X-Linked Classification Criteria (2023). Collection method: clinical testing. Allele origin: unknown.
Comment: This variant is considered pathogenic. This variant creates a frameshift predicted to result in premature protein truncation.

Ambry Genetics
Classification: Pathogenic for Hereditary cancer-predisposing syndrome. Last evaluated: 2021-05-21. Review status: criteria provided, single submitter. Criteria: Ambry Variant Classification Scheme 2023. Collection method: clinical testing. Allele origin: germline.
Comment: The c.6869_6879del11 pathogenic mutation, located in coding exon 46 of the ATM gene, results from a deletion of 11 nucleotides at nucleotide positions 6869 to 6879, causing a translational frameshift with a predicted alternate stop codon (p.E2290Gfs*79). This alteration is expected to result in loss of function by premature protein truncation or nonsense-mediated mRNA decay. As such, this alteration is interpreted as a disease-causing mutation.

NM_000051.4(ATM):c.6869_6879del (p.Glu2290fs)

Genes: ATM (ATM serine/threonine kinase; plus strand), C11orf65 (chromosome 11 open reading frame 65; minus strand). Cytogenetic location: 11q22.3.
Variant type: Deletion.
Coding change: c.6869_6879del on transcript NM_000051.4 (MANE Select); coding-DNA positions 6869 to 6879, 11 bases deleted (AGTGGCAGCTG).
Protein change: p.Glu2290fs; shifts the reading frame from glutamic acid 2290.
Molecular consequence: frameshift variant. On other transcripts: intron variant (2).
Genome position (GRCh38, 1-based): chr11:108,326,119-108,326,129, AGTGGCAGCTG deleted; deleting any 11 consecutive bases within chr11:108,326,116-108,326,129 gives the same sequence; the c. name uses the placement nearest the transcript's 3' end. VCF-style (leftmost placement, unchanged base first): chr11-108326115-TCTGAGTGGCAG-T. GRCh37 (hg19) VCF-style: chr11-108196842-TCTGAGTGGCAG-T.
Other names: c.6869_6879del, p.Glu2290fs (NM_001351834.2); c.641-17055_641-17045del (NM_001330368.2); c.*38+9094_*38+9104del (NM_001351110.2); c.6869_6879del11 (NM_000051.3); short protein forms E2290fs.
Identifiers: ClinVar variation 1755866 (VCV001755866.2), dbSNP rs2547216578, ClinGen allele CA2580083121.